The following is an entry in ClinVar:

ClinVar aggregate classification (germline): Likely benign. Review status: criteria provided, multiple submitters, no conflicts (2 of 4 stars). 4 submissions from 4 submitters: Likely benign (2). 2 of the submissions do not count toward it. Last evaluated 2026-01-26.

Conditions:
COL7A1-related disorder. Also called: COL7A1-related condition; COL7A1- related disorders.
Epidermolysis bullosa dystrophica. Also called: Dystrophic epidermolysis bullosa, Hallopeau-Siemens type (formerly); Dystrophic epidermolysis bullosa. Identifiers: Orphanet 303, MedGen C0079294, MONDO:0006543.

Allele frequency attached by ClinVar (database versions not stated): ExAC 0.00002; gnomAD exomes 0.00002.
gnomAD v4.1: 38 of 1,614,124 alleles (0.0024%); highest among the groups gnomAD compares: South Asian, 0.0066%; no homozygotes.

Submissions (4):

Labcorp Genetics (formerly Invitae), Labcorp
Classification: Likely benign. Last evaluated: 2026-01-26. Review status: criteria provided, single submitter. Criteria: Invitae Variant Classification Sherloc (09022015). Collection method: clinical testing. Allele origin: germline.

Blueprint Genetics
Classification: Likely benign. Last evaluated: 2022-01-13. Review status: criteria provided, single submitter. Criteria: ACMG Guidelines, 2015. Collection method: clinical testing. Allele origin: germline.

Natera, Inc.
Classification: Uncertain significance for Dystrophic epidermolysis bullosa. Last evaluated: 2020-01-24. Review status: no assertion criteria provided. Collection method: clinical testing. Allele origin: germline. Not counted in ClinVar's aggregate classification.

PreventionGenetics, part of Exact Sciences
Classification: Likely benign for COL7A1-related condition. Last evaluated: 2019-02-21. Review status: no assertion criteria provided. Collection method: clinical testing. Allele origin: germline. Not counted in ClinVar's aggregate classification.
Comment: This variant is classified as likely benign based on ACMG/AMP sequence variant interpretation guidelines (Richards et al. 2015 PMID: 25741868, with internal and published modifications).

NM_000094.4(COL7A1):c.1860C>T (p.Pro620=)

Gene: COL7A1 (collagen type VII alpha 1 chain; minus strand). Cytogenetic location: 3p21.31.
Variant type: single nucleotide variant.
Coding change: c.1860C>T on transcript NM_000094.4 (MANE Select); coding-DNA position 1860, C replaced by T.
Protein change: p.Pro620=; no amino-acid change (proline 620 retained).
Molecular consequence: synonymous variant.
Genome position (GRCh38, 1-based): chr3:48,590,505, G>A on the plus strand (C>T on the coding strand, the complement: COL7A1 is on the minus strand). VCF-style: chr3-48590505-G-A. GRCh37 (hg19) VCF-style: chr3-48627938-G-A.
Identifiers: ClinVar variation 730396 (VCV000730396.13), dbSNP rs369313576, ClinGen allele CA2381090.